The following is an entry in ClinVar:

NM_016284.5(CNOT1):c.472C>T (p.Arg158Cys)

Gene: CNOT1 (CCR4-NOT transcription complex subunit 1; minus strand). Cytogenetic location: 16q21.
Variant type: single nucleotide variant.
Coding change: c.472C>T on transcript NM_016284.5 (MANE Select); coding-DNA position 472, C replaced by T.
Protein change: p.Arg158Cys; replaces arginine 158 with cysteine.
Molecular consequence: missense variant. On other transcripts: non-coding transcript variant (1).
Genome position (GRCh38, 1-based): chr16:58,586,710, G>A on the plus strand (C>T on the coding strand, the complement: CNOT1 is on the minus strand). VCF-style: chr16-58586710-G-A. GRCh37 (hg19) VCF-style: chr16-58620614-G-A.
Other names: c.472C>T (NM_016284.4); c.472C>T, p.Arg158Cys (NM_001265612.2, NM_206999.3); short protein forms R158C.
Identifiers: ClinVar variation 3834553 (VCV003834553.2).
Genomic context (GRCh38, chr16:58,586,710, plus strand): 5'-TTGCTATATCTTGGAAGCCACCTTCTTGATTTCCACTGACGTCTGCGTCAATGTAAGAAC[G>A]CAGAAGATCTGGAAGCTTCTGTTTGATAAACTGGGCAGCTAGAAGTCAGGTAAACCAAAA-3'
Protein context (NP_057368.3, residues 148-168): FIKQKLPDLL[Arg158Cys]SYIDADVSGN

ClinVar aggregate classification (germline): Uncertain significance. Review status: criteria provided, multiple submitters, no conflicts (2 of 4 stars). 2 submissions from 2 submitters: Uncertain significance (2). Last evaluated 2026-04-28.

Conditions:
CNOT1-related disorder. Also called: CNOT1-related condition.
Inborn genetic diseases. Identifiers: MedGen C0950123, MeSH D030342.

gnomAD v4.1: 2 of 1,613,234 alleles (0.00012%); highest among the groups gnomAD compares: African/African-American, 0.0013%; no homozygotes.

Submissions (2):

PreventionGenetics, part of Exact Sciences
Classification: Uncertain significance for CNOT1-related condition. Last evaluated: 2026-04-28. Review status: criteria provided, single submitter. Criteria: ACMG Guidelines, 2015. Collection method: clinical testing. Allele origin: germline.
Comment: The CNOT1 c.472C>T variant is predicted to result in the amino acid substitution p.Arg158Cys. To our knowledge, this variant has not been reported in the literature. This variant is reported in 0.0026% of alleles in individuals of European (Non-Finnish) descent in gnomAD. At this time, the clinical significance of this variant is uncertain due to the absence of conclusive functional and genetic evidence.

Ambry Genetics
Classification: Uncertain significance for Inborn genetic diseases. Last evaluated: 2025-01-03. Review status: criteria provided, single submitter. Criteria: Ambry Variant Classification Scheme 2023. Collection method: clinical testing. Allele origin: germline.